The following is an entry in ClinVar:

NM_001267550.2(TTN):c.80562G>A (p.Lys26854=)

Genes: TTN (titin; minus strand), TTN-AS1 (TTN antisense RNA 1; plus strand). Cytogenetic location: 2q31.2.
Variant type: single nucleotide variant.
Coding change: c.80562G>A on transcript NM_001267550.2 (MANE Select); coding-DNA position 80562, G replaced by A.
Protein change: p.Lys26854=; no amino-acid change (lysine 26854 retained).
Molecular consequence: synonymous variant.
Genome position (GRCh38, 1-based): chr2:178,565,570, C>T on the plus strand (G>A on the coding strand, the complement: TTN is on the minus strand). VCF-style: chr2-178565570-C-T. GRCh37 (hg19) VCF-style: chr2-179430297-C-T.
Other names: c.72858G>A, p.Lys24286= (NM_133378.4); c.75639G>A, p.Lys25213= (NM_001256850.1); c.53367G>A, p.Lys17789= (NM_003319.4); c.53742G>A, p.Lys17914= (NM_133432.3); c.53943G>A, p.Lys17981= (NM_133437.4).
Identifiers: ClinVar variation 47388 (VCV000047388.5), dbSNP rs397517717, ClinGen allele CA140865.

ClinVar aggregate classification (germline): Likely benign (1 of 4 stars; one submission).

gnomAD v4.1: 3 of 1,613,592 alleles (0.00019%); highest among the groups gnomAD compares: Middle Eastern, 0.017%; no homozygotes.

Submission:

Laboratory for Molecular Medicine, Mass General Brigham Personalized Medicine
Classification: Likely benign. Last evaluated: 2012-04-17. Review status: criteria provided, single submitter. Criteria: LMM Criteria. Collection method: clinical testing. Allele origin: germline. Observed: 1 variant allele.
Comment: Lys24286Lys in exon 275 of TTN: This variant is not expected to have clinical si gnificance because it does not alter an amino acid residue and it is not located within the splice consensus sequence. Lys24286Lys in exon 275 of TTN (allele f requency = n/a)